The following is an entry in ClinVar:

ClinVar aggregate classification (germline): Uncertain significance (1 of 4 stars; one submission).

Conditions:
Inborn genetic diseases. Identifiers: MedGen C0950123, MeSH D030342.

Submission:

Ambry Genetics
Classification: Uncertain significance for Inborn genetic diseases. Last evaluated: 2025-05-02. Review status: criteria provided, single submitter. Criteria: Ambry Variant Classification Scheme 2023. Collection method: clinical testing. Allele origin: germline.
Comment: The p.T346I variant (also known as c.1037C>T), located in coding exon 6 of the ERCC6L2 gene, results from a C to T substitution at nucleotide position 1037. The threonine at codon 346 is replaced by isoleucine, an amino acid with similar properties. This amino acid position is conserved. In addition, this alteration is predicted to be deleterious by in silico analysis. Based on the available evidence, the clinical significance of this variant remains unclear.

NM_020207.7(ERCC6L2):c.1037C>T (p.Thr346Ile)

Gene: ERCC6L2 (ERCC excision repair 6 like 2; plus strand). Cytogenetic location: 9q22.32.
Variant type: single nucleotide variant.
Coding change: c.1037C>T on transcript NM_020207.7 (MANE Select); coding-DNA position 1037, C replaced by T.
Protein change: p.Thr346Ile; replaces threonine 346 with isoleucine.
Molecular consequence: missense variant. On other transcripts: non-coding transcript variant (1).
Genome position (GRCh38, 1-based): chr9:95,916,313, C>T. VCF-style: chr9-95916313-C-T. GRCh37 (hg19) VCF-style: chr9-98678595-C-T.
Other names: c.1037C>T, p.Thr346Ile (NM_001010895.4, NM_001375291.1, NM_001375292.1 and 2 more transcripts); short protein forms T346I.
Identifiers: ClinVar variation 4019337 (VCV004019337.1).